The following is an entry in ClinVar:

ClinVar aggregate classification (germline): Benign (1 of 4 stars; one submission).

Conditions:
Triglyceride storage disease with ichthyosis (CDS). Also called: Dorfman-Chanarin disease; ICHTHYOSIFORM ERYTHRODERMA WITH LEUKOCYTE VACUOLATION; TRIGLYCERIDE STORAGE DISEASE WITH IMPAIRED LONG-CHAIN FATTY ACID OXIDATION; Chanarin-Dorfman Syndrome. Identifiers: Orphanet 98907, MedGen C0268238, MONDO:0010155, OMIM 275630.

Allele frequency attached by ClinVar (database versions not stated): gnomAD 0.08098 and 0.08669; TOPMed 0.09211; 1000 Genomes Project 30x 0.13944; 1000 Genomes Project 0.14038.

Submission:

Illumina Laboratory Services, Illumina
Classification: Benign for Triglyceride storage disease with ichthyosis. Last evaluated: 2018-01-13. Review status: criteria provided, single submitter. Criteria: ICSL Variant Classification Criteria 13 December 2019. Collection method: clinical testing. Allele origin: germline.
Comment: This variant was observed in the ICSL laboratory as part of a predisposition screen in an ostensibly healthy population. It had not been previously curated by ICSL or reported in the Human Gene Mutation Database (HGMD: prior to June 1st, 2018), and was therefore a candidate for classification through an automated scoring system. Utilizing variant allele frequency, disease prevalence and penetrance estimates, and inheritance mode, an automated score was calculated to assess if this variant is too frequent to cause the disease. Based on the score and internal cut-off values, a variant classified as benign is not then subjected to further curation. The score for this variant resulted in a classification of benign for this disease.

NM_016006.6(ABHD5):c.*1613T>C

Gene: ABHD5 (abhydrolase domain containing 5, lysophosphatidic acid acyltransferase; plus strand). Cytogenetic location: 3p21.33.
Variant type: single nucleotide variant.
Coding change: c.*1613T>C on transcript NM_016006.6 (MANE Select); 1613 bases downstream of the stop codon, T replaced by C.
Molecular consequence: 3 prime UTR variant. On other transcripts: non-coding transcript variant (1), intron variant (1).
Genome position (GRCh38, 1-based): chr3:43,720,145, T>C. VCF-style: chr3-43720145-T-C. GRCh37 (hg19) VCF-style: chr3-43761637-T-C.
Other names: c.*1613T>C (NM_001365649.1); c.*1639T>C (NM_001365650.1); c.29+1584T>C (NM_001355186.2).
Identifiers: ClinVar variation 345244 (VCV000345244.5), dbSNP rs12491747, ClinGen allele CA10616490.